The following is an entry in ClinVar:

NM_014855.3(AP5Z1):c.890C>G (p.Ala297Gly)

Gene: AP5Z1 (adaptor related protein complex 5 subunit zeta 1; plus strand). Cytogenetic location: 7p22.1.
Variant type: single nucleotide variant.
Coding change: c.890C>G on transcript NM_014855.3 (MANE Select); coding-DNA position 890, C replaced by G.
Protein change: p.Ala297Gly; replaces alanine 297 with glycine.
Molecular consequence: missense variant. On other transcripts: non-coding transcript variant (1).
Genome position (GRCh38, 1-based): chr7:4,785,007, C>G. VCF-style: chr7-4785007-C-G. GRCh37 (hg19) VCF-style: chr7-4824638-C-G.
Other names: c.422C>G, p.Ala141Gly (NM_001364858.1); short protein forms A141G, A297G.
Identifiers: ClinVar variation 1030381 (VCV001030381.2), dbSNP rs927793345, ClinGen allele CA366661002.

ClinVar aggregate classification (germline): Uncertain significance. Review status: criteria provided, single submitter (1 of 4 stars). 2 submissions from 2 submitters: Uncertain significance (1). 1 of the submissions does not count toward it. Last evaluated 2020-01-20.

Conditions:
Retinal dystrophy. Also called: Inherited retinal dystrophy. Identifiers: Orphanet 71862, MedGen C0854723, MeSH D058499, MONDO:0019118, HP:0000556.
Hereditary spastic paraplegia 48. Also called: SPASTIC PARAPLEGIA 48, AUTOSOMAL RECESSIVE; Spastic paraplegia 48. Identifiers: Orphanet 306511, MedGen C3150901, MONDO:0013342, OMIM 613647.

Allele frequency attached by ClinVar (database versions not stated): gnomAD exomes below 0.00001.
gnomAD v4.1: 3 of 1,611,312 alleles (0.00019%); highest among the groups gnomAD compares: Middle Eastern, 0.017%; no homozygotes.

Submissions (2):

Baylor Genetics
Classification: Uncertain significance for Hereditary spastic paraplegia 48. Last evaluated: 2020-01-20. Review status: criteria provided, single submitter. Criteria: ACMG Guidelines, 2015. Collection method: clinical testing. Allele origin: unknown. Affected: yes.
Comment: This variant was determined to be of uncertain significance according to ACMG Guidelines, 2015 [PMID:25741868].

Institute of Human Genetics, Univ. Regensburg, Univ. Regensburg
Classification: Uncertain significance for Retinal dystrophy. Last evaluated: 2022-01-01. Review status: no assertion criteria provided. Criteria: ACMG Guidelines, 2015. Collection method: clinical testing. Allele origin: germline. Affected: yes. Not counted in ClinVar's aggregate classification.